The following is an entry in ClinVar:

ClinVar aggregate classification (germline): Uncertain significance (1 of 4 stars; one submission).

Conditions:
Inborn genetic diseases. Identifiers: MedGen C0950123, MeSH D030342.

gnomAD v4.1: 1 of 1,614,124 alleles (0.000062%); highest among the groups gnomAD compares: Non-Finnish European, 0.000085%; no homozygotes.

Submission:

Ambry Genetics
Classification: Uncertain significance for Inborn genetic diseases. Last evaluated: 2025-03-08. Review status: criteria provided, single submitter. Criteria: Ambry Variant Classification Scheme 2023. Collection method: clinical testing. Allele origin: germline.
Comment: The p.P231S variant (also known as c.691C>T), located in coding exon 2 of the GATA2 gene, results from a C to T substitution at nucleotide position 691. The proline at codon 231 is replaced by serine, an amino acid with similar properties. This amino acid position is conserved. In addition, this alteration is predicted to be tolerated by in silico analysis. Based on the available evidence, the clinical significance of this variant remains unclear.

NM_032638.5(GATA2):c.691C>T (p.Pro231Ser)

Gene: GATA2 (GATA binding protein 2; minus strand). Cytogenetic location: 3q21.3.
Variant type: single nucleotide variant.
Coding change: c.691C>T on transcript NM_032638.5 (MANE Select); coding-DNA position 691, C replaced by T.
Protein change: p.Pro231Ser; replaces proline 231 with serine.
Molecular consequence: missense variant.
Genome position (GRCh38, 1-based): chr3:128,485,907, G>A on the plus strand (C>T on the coding strand, the complement: GATA2 is on the minus strand). VCF-style: chr3-128485907-G-A. GRCh37 (hg19) VCF-style: chr3-128204750-G-A.
Other names: c.691C>T, p.Pro231Ser (NM_001145661.2, NM_001145662.1); short protein forms P231S.
Identifiers: ClinVar variation 3853037 (VCV003853037.1).